The following is an entry in ClinVar:

NM_001844.5(COL2A1):c.1744G>A (p.Gly582Ser)

Gene: COL2A1 (collagen type II alpha 1 chain; minus strand). Cytogenetic location: 12q13.11.
Variant type: single nucleotide variant.
Coding change: c.1744G>A on transcript NM_001844.5 (MANE Select); coding-DNA position 1744, G replaced by A.
Protein change: p.Gly582Ser; replaces glycine 582 with serine.
Molecular consequence: missense variant.
Genome position (GRCh38, 1-based): chr12:47,985,084, C>T on the plus strand (G>A on the coding strand, the complement: COL2A1 is on the minus strand). VCF-style: chr12-47985084-C-T. GRCh37 (hg19) VCF-style: chr12-48378867-C-T.
Other names: c.1537G>A, p.Gly513Ser (NM_033150.3); short protein forms G513S, G582S.
Identifiers: ClinVar variation 2505889 (VCV002505889.1), dbSNP rs2540144824, ClinGen allele CA384550791.
Genomic context (GRCh38, chr12:47,985,084, plus strand): 5'-TGACACCAGGCTGCCCACGAGCCCCCTGAGGACCTGGAGGTCCAGGACGACCATCTTCAC[C>T]AGGGGCTCCCTGAAAGACAGAACACCATTCTCAGAACATAGACACTCTGACCACATCCAT-3'
Protein context (NP_001835.3, residues 572-592): QGKVGPSGAP[Gly582Ser]EDGRPGPPGP

ClinVar aggregate classification (germline): Pathogenic (1 of 4 stars; one submission).

Submission:

GeneDx
Classification: Pathogenic. Last evaluated: 2023-06-15. Review status: criteria provided, single submitter. Criteria: GeneDx Variant Classification Process June 2021. Collection method: clinical testing. Allele origin: germline. Affected: yes.
Comment: Identified in a large family with avasucular necrosis and osteoarthritis affecting the hip joints (Kishiya et al., 2014); Not observed at significant frequency in large population cohorts (gnomAD); In silico analysis supports that this missense variant has a deleterious effect on protein structure/function; Occurs in the triple helical domain and replaces a glycine in a canonical Gly-X-Y repeat; missense substitution of a canonical glycine residue is expected to disrupt normal protein folding and function, and this is an established mechanism of disease (Jovanovic et al., 2021); This variant is associated with the following publications: (PMID: 25124518, 31758797, Zhang2021[CaseReport], 34007986)